The following is an entry in ClinVar:

ClinVar aggregate classification (germline): Uncertain significance (1 of 4 stars; one submission).

Allele frequency attached by ClinVar (database versions not stated): gnomAD exomes 0.00001; TOPMed 0.00001; ExAC 0.00002; gnomAD 0.00002 and 0.00003.
gnomAD v4.1: 18 of 1,614,166 alleles (0.0011%); highest among the groups gnomAD compares: Middle Eastern, 0.016%; no homozygotes.

Submission:

Labcorp Genetics (formerly Invitae), Labcorp
Classification: Uncertain significance. Last evaluated: 2025-05-05. Review status: criteria provided, single submitter. Criteria: Invitae Variant Classification Sherloc (09022015). Collection method: clinical testing. Allele origin: germline.
Comment: This sequence change replaces arginine, which is basic and polar, with glutamine, which is neutral and polar, at codon 470 of the PCDH12 protein (p.Arg470Gln). This variant is present in population databases (rs768780239, gnomAD 0.003%). This variant has not been reported in the literature in individuals affected with PCDH12-related conditions. ClinVar contains an entry for this variant (Variation ID: 1486254). Invitae Evidence Modeling of protein sequence and biophysical properties (such as structural, functional, and spatial information, amino acid conservation, physicochemical variation, residue mobility, and thermodynamic stability) indicates that this missense variant is not expected to disrupt PCDH12 protein function with a negative predictive value of 95%. In summary, the available evidence is currently insufficient to determine the role of this variant in disease. Therefore, it has been classified as a Variant of Uncertain Significance.

NM_016580.4(PCDH12):c.1409G>A (p.Arg470Gln)

Genes: PCDH12 (protocadherin 12; minus strand), RNF14 (ring finger protein 14; plus strand). Cytogenetic location: 5q31.3.
Variant type: single nucleotide variant.
Coding change: c.1409G>A on transcript NM_016580.4 (MANE Select); coding-DNA position 1409, G replaced by A.
Protein change: p.Arg470Gln; replaces arginine 470 with glutamine.
Molecular consequence: missense variant.
Genome position (GRCh38, 1-based): chr5:141,956,443, C>T on the plus strand (G>A on the coding strand, the complement: PCDH12 is on the minus strand). VCF-style: chr5-141956443-C-T. GRCh37 (hg19) VCF-style: chr5-141336008-C-T.
Other names: short protein forms R470Q.
Identifiers: ClinVar variation 1486254 (VCV001486254.5), dbSNP rs768780239, ClinGen allele CA3484406.
Genomic context (GRCh38, chr5:141,956,443, plus strand): 5'-CCCAAGTCTGCATCATGAGCCTTGATGGTAATGAGGTGAAGAGAGGGTAAGTTGTTTTCC[C>T]GCGTGGAGACTTCATACCTGCTTTTCTCAAACACAGGTGCATTGTCGTTGATGTCACTGA-3'
Protein context (NP_057664.1, residues 460-480): FEKSRYEVST[Arg470Gln]ENNLPSLHLI